The following is an entry in ClinVar:

ClinVar aggregate classification (germline): Uncertain significance (1 of 4 stars; one submission).

Conditions:
Long QT syndrome (LQTS). Identifiers: MedGen C0023976, MeSH D008133, MONDO:0002442. Disease mechanism: loss of function. Inheritance: Various modes of inheritance.

Submission:

Labcorp Genetics (formerly Invitae), Labcorp
Classification: Uncertain significance for Long QT syndrome. Last evaluated: 2020-08-21. Review status: criteria provided, single submitter. Criteria: Invitae Variant Classification Sherloc (09022015). Collection method: clinical testing. Allele origin: germline.
Comment: This sequence change replaces aspartic acid with glycine at codon 1680 of the CACNA1C protein (p.Asp1680Gly). The aspartic acid residue is highly conserved and there is a moderate physicochemical difference between aspartic acid and glycine. This variant is not present in population databases (ExAC no frequency). This variant has not been reported in the literature in individuals with CACNA1C-related disease. Algorithms developed to predict the effect of missense changes on protein structure and function do not agree on the potential impact of this missense change (SIFT: "Deleterious"; PolyPhen-2: "Possibly Damaging"; Align-GVGD: "Class C0"). In summary, the available evidence is currently insufficient to determine the role of this variant in disease. Therefore, it has been classified as a Variant of Uncertain Significance.

NM_000719.7(CACNA1C):c.5039A>G (p.Asp1680Gly)

Genes: CACNA1C-AS1 (CACNA1C antisense RNA 1; minus strand), CACNA1C (calcium voltage-gated channel subunit alpha1 C; plus strand). Cytogenetic location: 12p13.33.
Variant type: single nucleotide variant.
Coding change: c.5039A>G on transcript NM_000719.7 (MANE Select); coding-DNA position 5039, A replaced by G.
Protein change: p.Asp1680Gly; replaces aspartic acid 1680 with glycine.
Molecular consequence: missense variant. On other transcripts: non-coding transcript variant (1).
Genome position (GRCh38, 1-based): chr12:2,677,815, A>G. VCF-style: chr12-2677815-A-G. GRCh37 (hg19) VCF-style: chr12-2786981-A-G.
Other names: c.5183A>G, p.Asp1728Gly (NM_001129827.2, NM_199460.4); c.5162A>G, p.Asp1721Gly (NM_001129829.2); c.5039A>G, p.Asp1680Gly (NM_001129830.3, NM_001129840.2, NM_001129841.2 and 4 more transcripts); c.5123A>G, p.Asp1708Gly (NM_001129831.2); c.5099A>G, p.Asp1700Gly (NM_001129832.2); c.5096A>G, p.Asp1699Gly (NM_001129833.2, NM_001129834.2, NM_001129835.2); c.5090A>G, p.Asp1697Gly (NM_001129836.2); c.5063A>G, p.Asp1688Gly (NM_001129837.2, NM_001129838.2); and 3 more; short protein forms D1728G, D1680G, D1700G, D1699G, D1669G, D1686G, D1697G, D1677G.
Identifiers: ClinVar variation 456974 (VCV000456974.9), dbSNP rs1556050949, ClinGen allele CA383378350.
Genomic context (GRCh38, chr12:2,677,815, plus strand): 5'-ACATCGGGCCTGAGATCCGACGGGCCATCTCTGGAGATCTCACCGCTGAGGAGGAGCTGG[A>G]CAAGGCCATGAAGGAGGCTGTGTCCGCTGCTTCTGAAGATGACATCTTCAGGGTGGGTGG-3'
Protein context (NP_000710.5, residues 1670-1690): SGDLTAEEEL[Asp1680Gly]KAMKEAVSAA